The following is an entry in ClinVar:

NM_001164457.3(ZNF705G):c.139+11G>C

Gene: ZNF705G (zinc finger protein 705G). Cytogenetic location: 8p23.1.
Variant type: single nucleotide variant.
Coding change: c.139+11G>C on transcript NM_001164457.3 (MANE Select); 11 bases into the intron after coding-DNA position 139, G replaced by C.
Molecular consequence: intron variant.
Genome position (GRCh38, 1-based): chr8:7,361,099, C>G on the plus strand (G>C on the coding strand, the complement: ZNF705G is on the minus strand). VCF-style: chr8-7361099-C-G. GRCh37 (hg19) VCF-style: chr8-7218621-C-G.
Identifiers: ClinVar variation 403627 (VCV000403627.5), dbSNP rs3989699, ClinGen allele CA4615493.
Genomic context (GRCh38, chr8:7,361,099, plus strand): 5'-CTGTTTTAACACTTATTGAATGAATGAGTGAATGTGTCTCTACATATGTACATGAATGTT[C>G]AGGGACTCACCGAGGGACACCAGGTGACTGATATTTTCCAGCATCACATCTCTGTACAGC-3'

ClinVar aggregate classification (germline): Benign. Review status: criteria provided, multiple submitters, no conflicts (2 of 4 stars). 2 submissions from 2 submitters: Benign (2). Last evaluated 2016-03-28.

Allele frequency attached by ClinVar (database versions not stated): ExAC 0.37003; 1000 Genomes Project 30x 0.39897.

Submissions (2):

Laboratory for Molecular Medicine, Mass General Brigham Personalized Medicine
Classification: Benign. Last evaluated: 2016-03-28. Review status: criteria provided, single submitter. Criteria: LMM Criteria. Collection method: clinical testing. Allele origin: germline.
Comment: Variant identified in a genome or exome case(s) and assessed due to predicted null impact of the variant or pathogenic assertions in the literature or databases. Disclaimer: This variant has not undergone full assessment. The following are preliminary notes: Frequency

Breakthrough Genomics
Classification: Benign. Review status: criteria provided, single submitter. Criteria: ACMG Guidelines, 2015. Collection method: not provided. Allele origin: germline. Inheritance: Unknown mechanism. Affected: yes.